The following is an entry in ClinVar:

ClinVar aggregate classification (germline): Likely pathogenic (1 of 4 stars; one submission).

Conditions:
Legius syndrome. Identifiers: Orphanet 137605, MedGen C1969623, MONDO:0012669, OMIM 611431. Disease mechanism: loss of function.

Submission:

3billion
Classification: Likely pathogenic for Legius syndrome. Last evaluated: 2023-02-23. Review status: criteria provided, single submitter. Criteria: ACMG Guidelines, 2015. Collection method: clinical testing. Allele origin: unknown. Affected: yes.
Comment: The variant is not observed in the gnomAD v2.1.1 dataset. This variant was predicted to result in a loss or disruption of normal protein function through nonsense-mediated decay (NMD) or protein truncation. Multiple pathogenic variants are reported downstream of the variant. Therefore, this variant is classified as Likely pathogenic according to the recommendation of ACMG/AMP guideline.

NM_152594.3(SPRED1):c.521_522dup (p.Pro175fs)

Gene: SPRED1 (sprouty related EVH1 domain containing 1; plus strand). Cytogenetic location: 15q14.
Variant type: Duplication.
Coding change: c.521_522dup on transcript NM_152594.3 (MANE Select); coding-DNA positions 521 to 522, 2 bases duplicated (GA; older notation c.521_522dupGA).
Protein change: p.Pro175fs; shifts the reading frame from proline 175.
Molecular consequence: frameshift variant.
Genome position (GRCh38, 1-based): chr15:38,339,834-38,339,835, GA duplicated; duplicating any 2 consecutive bases within chr15:38,339,833-38,339,835 gives the same sequence; the c. name uses the placement nearest the transcript's 3' end. VCF-style (leftmost placement, unchanged base first): chr15-38339832-A-AAG. GRCh37 (hg19) VCF-style: chr15-38632033-A-AAG.
Other names: short protein forms P175fs.
Identifiers: ClinVar variation 2444191 (VCV002444191.1), dbSNP rs2542723848, ClinGen allele CA2580089396.